The following is an entry in ClinVar:

ClinVar aggregate classification (germline): Pathogenic. Review status: criteria provided, multiple submitters, no conflicts (2 of 4 stars). 12 submissions from 12 submitters: Pathogenic (10). 2 of the submissions do not count toward it. Last evaluated 2025-12-28.

Conditions:
BCKDHA-related disorder. Also called: BCKDHA-related condition.
Maple syrup urine disease type 1A (MSUD1A). Also called: MSUD type 1A. Identifiers: MedGen C1855369, MONDO:0023691, OMIM 248600.
Maple syrup urine disease (MSUD). Identifiers: Orphanet 511, MedGen C0024776, MeSH D008375, MONDO:0009563. Disease mechanism: loss of function.

Submissions (12):

Labcorp Genetics (formerly Invitae), Labcorp
Classification: Pathogenic for Maple syrup urine disease. Last evaluated: 2025-12-28. Review status: criteria provided, single submitter. Criteria: Invitae Variant Classification Sherloc (09022015). Collection method: clinical testing. Allele origin: germline.
Comment: This sequence change creates a premature translational stop signal (p.Arg40Glyfs*23) in the BCKDHA gene. It is expected to result in an absent or disrupted protein product. Loss-of-function variants in BCKDHA are known to be pathogenic (PMID: 16786533, 22593002). The frequency data for this variant in the population databases is considered unreliable, as metrics indicate poor data quality at this position in the gnomAD database. This premature translational stop signal has been observed in individuals with maple syrup urine disease (PMID: 16786533, 25333063). ClinVar contains an entry for this variant (Variation ID: 93342). For these reasons, this variant has been classified as Pathogenic.

GeneDx
Classification: Pathogenic. Last evaluated: 2025-09-20. Review status: criteria provided, single submitter. Criteria: GeneDx Variant Classification Process June 2021. Collection method: clinical testing. Allele origin: germline. Affected: yes.
Comment: Frameshift variant predicted to result in protein truncation or nonsense mediated decay in a gene for which loss of function is a known mechanism of disease; Not observed at significant frequency in large population cohorts (gnomAD); This variant is associated with the following publications: (PMID: 26232051, 31980395, 16786533, 25333063, 31589614, 18378174)

PreventionGenetics, part of Exact Sciences
Classification: Pathogenic for BCKDHA-related condition. Last evaluated: 2025-09-19. Review status: criteria provided, single submitter. Criteria: ACMG Guidelines, 2015. Collection method: clinical testing. Allele origin: germline.
Comment: The BCKDHA c.117delC variant is predicted to result in a frameshift and premature protein termination (p.Arg40Glyfs*23). This particular variant has been repeatedly reported as causative for maple syrup urine disease type IA (e.g., Rodriguez-Pombo et al. 2006. PubMed ID: 16786533; Couce et al. 2015. PubMed ID: 26232051). This variant is reported in 0.0033% of alleles in individuals of South Asian descent in gnomAD. Frameshift variants in BCKDHA are expected to be pathogenic. This variant is interpreted as pathogenic.

Natera, Inc.
Classification: Pathogenic for Maple syrup urine disease type 1A. Last evaluated: 2025-07-07. Review status: criteria provided, single submitter. Criteria: Natera Variant Classification Schema (03/2026). Collection method: clinical testing. Allele origin: germline.
Comment: The c.117delC variant in BCKDHA is a frameshift variant predicted to shift the reading frame beginning at codon 40 and leads to a stop codon 23 codons downstream. This variant is expected to result in nonsense mediated decay, truncation, or a dysfunctional protein product. This variant is rare in the general population with a frequency below the threshold expected for the associated phenotype(s). This variant has been observed in one or more individuals affected with the associated recessive disease, as either homozygous or compound heterozygous with a second variant (PMID: 25333063, 16468966). Given the available evidence, this variant is classified as Pathogenic.

Revvity Omics, Revvity
Classification: Pathogenic for Maple syrup urine disease type 1A. Last evaluated: 2022-07-08. Review status: criteria provided, single submitter. Criteria: ACMG Guidelines, 2015. Collection method: clinical testing. Allele origin: germline.

Fulgent Genetics
Classification: Pathogenic for Maple syrup urine disease type 1A. Last evaluated: 2022-04-07. Review status: criteria provided, single submitter. Criteria: ACMG Guidelines, 2015. Collection method: clinical testing. Allele origin: unknown.

Genome-Nilou Lab
Classification: Pathogenic for Maple syrup urine disease type 1A. Last evaluated: 2021-07-22. Review status: criteria provided, single submitter. Criteria: ACMG Guidelines, 2015. Collection method: clinical testing. Allele origin: germline. Affected: no.

Women's Health and Genetics/Laboratory Corporation of America, LabCorp
Classification: Pathogenic for Maple Syrup Urine Disease, Type IA. Last evaluated: 2020-10-18. Review status: criteria provided, single submitter. Criteria: LabCorp Variant Classification Summary - May 2015. Collection method: clinical testing. Allele origin: germline.
Comment: Variant summary: BCKDHA c.117delC (p.Arg40GlyfsX23) results in a premature termination codon, predicted to cause a truncation of the encoded protein or absence of the protein due to nonsense mediated decay, which are commonly known mechanisms for disease. Truncations downstream of this position have been classified as pathogenic by our laboratory. The variant allele was found at a frequency of 1.2e-05 in 250946 control chromosomes. c.117delC has been reported in the literature in multiple individuals affected with Maple Syrup Urine Disease Type 1A (example, Couce_2015, Fernandez_Guerra_2014, Quental_2008, Strauss_2006). These data indicate that the variant is very likely to be associated with disease. At least one publication reports experimental evidence evaluating an impact on protein function (example, Fernandez_Guerra_2014). The most pronounced variant effect resulted in a loss of detectable levels of protein subunit E1alpha that is encoded by BCKDHA in human dermal fibroblasts from classic MSUD patients. Three clinical diagnostic laboratories have submitted clinical-significance assessments for this variant to ClinVar after 2014 without evidence for independent evaluation. All laboratories classified the variant as pathogenic. Based on the evidence outlined above, the variant was classified as pathogenic.

Eurofins Ntd Llc (ga)
Classification: Pathogenic. Last evaluated: 2013-08-23. Review status: criteria provided, single submitter. Criteria: EGL Classification Definitions. Collection method: clinical testing. Allele origin: germline. Observed: 3 variant alleles, 3 heterozygotes.

National Newborn Screening Laboratory, Hospital Nacional de Niños
Classification: Pathogenic for Maple syrup urine disease type 1A. Review status: criteria provided, single submitter. Criteria: ACMG Guidelines, 2015. Collection method: clinical testing. Allele origin: unknown. Inheritance: Autosomal recessive inheritance. Affected: yes. Observed: 5 variant alleles, 5 homozygotes.
Comment: This is a frame-shift variant in the BCKDHA gene, where loss of function is a known mechanism of disease. This variant results in a truncated protein by creating a premature stop codon. It has been published in the literature associated with individuals with MSUD (PMID: 16786533, PMID: 25333063, PMID: 26232051).

Counsyl
Classification: Pathogenic for Maple syrup urine disease type 1A. Last evaluated: 2016-11-03. Review status: no assertion criteria provided. Collection method: clinical testing. Allele origin: unknown. Not counted in ClinVar's aggregate classification.

OMIM
Classification: Pathogenic for MAPLE SYRUP URINE DISEASE, TYPE IA. Last evaluated: 2009-05-01. Review status: no assertion criteria provided. Collection method: literature only. Allele origin: germline. Not counted in ClinVar's aggregate classification.

Literature cited by the submitters: PubMed 16786533 (cited by Labcorp Genetics (formerly Invitae), Labcorp and National Newborn Screening Laboratory, Hospital Nacional de Niños); PubMed 22593002 (cited by Labcorp Genetics (formerly Invitae), Labcorp); PubMed 25333063 (cited by 4 submitters); PubMed 16468966 (cited by 3 submitters); PubMed 18378174 (cited by Women's Health and Genetics/Laboratory Corporation of America, LabCorp and OMIM); PubMed 26232051 (cited by 3 submitters); PubMed 19456321 (cited by Counsyl and OMIM).

NM_000709.4(BCKDHA):c.117del (p.Arg40fs)

Gene: BCKDHA (branched chain keto acid dehydrogenase E1 subunit alpha; plus strand). Cytogenetic location: 19q13.2.
Variant type: Deletion.
Coding change: c.117del on transcript NM_000709.4 (MANE Select); coding-DNA position 117, one base deleted (C; older notation c.117delC).
Protein change: p.Arg40fs; shifts the reading frame from arginine 40.
Molecular consequence: frameshift variant.
Genome position (GRCh38, 1-based): chr19:41,410,645, C deleted; the last of 7 consecutive C bases (chr19:41,410,639-41,410,645); deleting any one gives the same sequence. VCF-style (leftmost placement, unchanged base first): chr19-41410638-AC-A. GRCh37 (hg19) VCF-style: chr19-41916543-AC-A.
Other names: c.117del (NM_000709.3); c.117delC (NM_000709.4); c.117del, p.Arg40fs (NM_001164783.2); short protein forms R40fs.
Identifiers: ClinVar variation 93342 (VCV000093342.36), dbSNP rs398123489, ClinGen allele CA221181.